The following is an entry in ClinVar:

ClinVar aggregate classification (germline): Likely benign (1 of 4 stars; one submission).

Submission:

GeneDx
Classification: Likely benign. Last evaluated: 2018-04-25. Review status: criteria provided, single submitter. Criteria: GeneDx Variant Classification (06012015). Collection method: clinical testing. Allele origin: germline. Affected: yes.
Comment: This variant is considered likely benign or benign based on one or more of the following criteria: it is a conservative change, it occurs at a poorly conserved position in the protein, it is predicted to be benign by multiple in silico algorithms, and/or has population frequency not consistent with disease.

NM_001376.5(DYNC1H1):c.9765T>A (p.Val3255=)

Gene: DYNC1H1 (dynein cytoplasmic 1 heavy chain 1; plus strand). Cytogenetic location: 14q32.31.
Variant type: single nucleotide variant.
Coding change: c.9765T>A on transcript NM_001376.5 (MANE Select); coding-DNA position 9765, T replaced by A.
Protein change: p.Val3255=; no amino-acid change (valine 3255 retained).
Molecular consequence: synonymous variant.
Genome position (GRCh38, 1-based): chr14:102,030,164, T>A. VCF-style: chr14-102030164-T-A. GRCh37 (hg19) VCF-style: chr14-102496501-T-A.
Identifiers: ClinVar variation 682317 (VCV000682317.1), dbSNP rs1595624589, ClinGen allele CA487966383.
Genomic context (GRCh38, chr14:102,030,164, plus strand): 5'-ATTTAGTCAGCAAATTAACCAATGCTTAACCCATACCTAAGCCATCCCTCCTTTCTAGGT[T>A]ATGAGCCAAGAAATCCAGGAACAGCTGCATAAGCAGCAGGAGGTAATTGCAGACAAACAG-3'
Protein context (NP_001367.2, residues 3245-3265): KDQQEAEKKK[Val3255=]MSQEIQEQLH